The following is an entry in ClinVar:

NM_178014.4(TUBB):c.1157C>T (p.Thr386Ile)

Gene: TUBB (tubulin beta class I; plus strand). Cytogenetic location: 6p21.33.
Variant type: single nucleotide variant.
Coding change: c.1157C>T on transcript NM_178014.4 (MANE Select); coding-DNA position 1157, C replaced by T.
Protein change: p.Thr386Ile; replaces threonine 386 with isoleucine.
Molecular consequence: missense variant. On other transcripts: non-coding transcript variant (1).
Genome position (GRCh38, 1-based): chr6:30,724,219, C>T. VCF-style: chr6-30724219-C-T. GRCh37 (hg19) VCF-style: chr6-30691996-C-T.
Other names: c.1217C>T, p.Thr406Ile (NM_001293212.2); c.551C>T, p.Thr184Ile (NM_001293213.2); c.1025C>T, p.Thr342Ile (NM_001293214.2); c.941C>T, p.Thr314Ile (NM_001293215.2, NM_001293216.2); short protein forms T184I, T314I, T342I, T386I, T406I.
Identifiers: ClinVar variation 1310397 (VCV001310397.2), dbSNP rs2127750063, ClinGen allele CA363151244.

ClinVar aggregate classification (germline): Uncertain significance (1 of 4 stars; one submission).

Submission:

GeneDx
Classification: Uncertain significance. Last evaluated: 2019-12-05. Review status: criteria provided, single submitter. Criteria: GeneDx Variant Classification Process June 2021. Collection method: clinical testing. Allele origin: germline. Affected: yes.
Comment: Not observed in large population cohorts (Lek et al., 2016); In silico analysis, which includes protein predictors and evolutionary conservation, supports a deleterious effect; Has not been previously published as pathogenic or benign to our knowledge